The following is an entry in ClinVar:

ClinVar aggregate classification (germline): Uncertain significance (1 of 4 stars; one submission).

Conditions:
Cardiovascular phenotype. Identifiers: MedGen CN230736.

Allele frequency attached by ClinVar (database versions not stated): gnomAD exomes below 0.00001.
gnomAD v4.1: 1 of 1,611,438 alleles (0.000062%); highest among the groups gnomAD compares: Non-Finnish European, 0.000085%; no homozygotes.

Submission:

Ambry Genetics
Classification: Uncertain significance for Cardiovascular phenotype. Last evaluated: 2023-07-21. Review status: criteria provided, single submitter. Criteria: Ambry Variant Classification Scheme 2023. Collection method: clinical testing. Allele origin: germline.
Comment: The p.L134W variant (also known as c.401T>G), located in coding exon 3 of the CASQ2 gene, results from a T to G substitution at nucleotide position 401. The leucine at codon 134 is replaced by tryptophan, an amino acid with similar properties. This amino acid position is conserved. In addition, this alteration is predicted to be deleterious by in silico analysis. Since supporting evidence is limited at this time, the clinical significance of this alteration remains unclear.

NM_001232.4(CASQ2):c.401T>G (p.Leu134Trp)

Gene: CASQ2 (calsequestrin 2; minus strand). Cytogenetic location: 1p13.1.
Variant type: single nucleotide variant.
Coding change: c.401T>G on transcript NM_001232.4 (MANE Select); coding-DNA position 401, T replaced by G.
Protein change: p.Leu134Trp; replaces leucine 134 with tryptophan.
Molecular consequence: missense variant.
Genome position (GRCh38, 1-based): chr1:115,740,747, A>C on the plus strand (T>G on the coding strand, the complement: CASQ2 is on the minus strand). VCF-style: chr1-115740747-A-C. GRCh37 (hg19) VCF-style: chr1-116283368-A-C.
Other names: short protein forms L134W.
Identifiers: ClinVar variation 2585690 (VCV002585690.2), dbSNP rs2526018580, ClinGen allele CA341764372.
Genomic context (GRCh38, chr1:115,740,747, plus strand): 5'-AGAGGCAGCTCCATGCAGGGTCACTGTGTATAAATACTTACATCCAAGAGGAACTCCACC[A>C]AGACATCAGCTGCAAACTCGCCATCAAACTCTATTGTGCGATCACCCTTAAGAATATACA-3'
Protein context (NP_001223.2, residues 124-144): EFDGEFAADV[Leu134Trp]VEFLLDLIED